The following is an entry in ClinVar:

NM_001267550.2(TTN):c.42794A>G (p.Asp14265Gly)

Gene: TTN (titin; minus strand). Cytogenetic location: 2q31.2.
Variant type: single nucleotide variant.
Coding change: c.42794A>G on transcript NM_001267550.2 (MANE Select); coding-DNA position 42794, A replaced by G.
Protein change: p.Asp14265Gly; replaces aspartic acid 14265 with glycine.
Molecular consequence: missense variant.
Genome position (GRCh38, 1-based): chr2:178,633,565, T>C on the plus strand (A>G on the coding strand, the complement: TTN is on the minus strand). VCF-style: chr2-178633565-T-C. GRCh37 (hg19) VCF-style: chr2-179498292-T-C.
Other names: c.37871A>G, p.Asp12624Gly (NM_001256850.1); c.15599A>G, p.Asp5200Gly (NM_003319.4); c.35090A>G, p.Asp11697Gly (NM_133378.4); c.15974A>G, p.Asp5325Gly (NM_133432.3); c.16175A>G, p.Asp5392Gly (NM_133437.4); short protein forms D11697G, D12624G, D14265G, D5200G, D5325G, D5392G.
Identifiers: ClinVar variation 2630094 (VCV002630094.2), dbSNP rs1009314740, ClinGen allele CA61004544.

ClinVar aggregate classification (germline): Uncertain significance. Review status: criteria provided, multiple submitters, no conflicts (2 of 4 stars). 2 submissions from 2 submitters: Uncertain significance (2). Last evaluated 2026-02-07.

Conditions:
TTN-related disorder. Also called: TTN-related condition; TTN-related disease; TTN-related disorders.

Allele frequency attached by ClinVar (database versions not stated): gnomAD exomes below 0.00001; gnomAD 0.00002; TOPMed 0.00002.
gnomAD v4.1: 5 of 1,613,318 alleles (0.00031%); highest among the groups gnomAD compares: African/African-American, 0.0053%; no homozygotes.

Submissions (2):

Women's Health and Genetics/Laboratory Corporation of America, LabCorp
Classification: Uncertain significance. Last evaluated: 2026-02-07. Review status: criteria provided, single submitter. Criteria: LabCorp Variant Classification Summary - May 2015. Collection method: clinical testing. Allele origin: germline.

PreventionGenetics, part of Exact Sciences
Classification: Uncertain significance for TTN-related condition. Last evaluated: 2023-01-06. Review status: criteria provided, single submitter. Criteria: ACMG Guidelines, 2015. Collection method: clinical testing. Allele origin: germline.
Comment: The TTN c.42794A>G variant is predicted to result in the amino acid substitution p.Asp14265Gly. To our knowledge, this variant has not been reported in the literature. This variant is reported in 0.011% of alleles in individuals of African descent in gnomAD. At this time, the clinical significance of this variant is uncertain due to the absence of conclusive functional and genetic evidence.